The following is an entry in ClinVar:

ClinVar aggregate classification (germline): Likely pathogenic (1 of 4 stars; one submission).

Conditions:
LZTR1-related schwannomatosis. Also called: Schwannomatosis-2, susceptibility to; Schwannomatosis 2. Identifiers: Orphanet 93921, MedGen C3810283, MONDO:0014299, OMIM 615670.
Noonan syndrome 10 (NS10). Identifiers: Orphanet 648, MedGen C4225280, MONDO:0014693, OMIM 616564.
Noonan syndrome 2 (NS2). Identifiers: Orphanet 648, MedGen C1854469, MONDO:0011531, OMIM 605275.

Submission:

Juno Genomics, Hangzhou Juno Genomics, Inc
Classification: Likely pathogenic for LZTR1-related schwannomatosis; Noonan syndrome 10; Noonan syndrome 2. Review status: criteria provided, single submitter. Criteria: ACMG Guidelines, 2015. Collection method: clinical testing. Allele origin: germline.
Comment: Absent from controls (or at extremely low frequency if recessive) in Genome Aggregation Database.;Null variant in a gene where loss of function (LOF) is a known mechanism of disease.

NM_006767.4(LZTR1):c.1386del (p.Ile462fs)

Gene: LZTR1 (leucine zipper like post translational regulator 1; plus strand). Cytogenetic location: 22q11.21.
Variant type: Deletion.
Coding change: c.1386del on transcript NM_006767.4 (MANE Select); coding-DNA position 1386, one base deleted (T; older notation c.1386delT).
Protein change: p.Ile462fs; shifts the reading frame from isoleucine 462.
Molecular consequence: frameshift variant.
Genome position (GRCh38, 1-based): chr22:20,993,956, T deleted; the last of 2 consecutive T bases (chr22:20,993,955-20,993,956); deleting either gives the same sequence. VCF-style (leftmost placement, unchanged base first): chr22-20993954-AT-A. GRCh37 (hg19) VCF-style: chr22-21348243-AT-A.
Other names: short protein forms I462fs.
Identifiers: ClinVar variation 5019845 (VCV005019845.2).